The following is an entry in ClinVar:

ClinVar aggregate classification (germline): Uncertain significance (1 of 4 stars; one submission).

Conditions:
Hereditary cancer-predisposing syndrome. Also called: Neoplastic Syndromes, Hereditary; Tumor predisposition; Hereditary neoplastic syndrome; Hereditary Cancer Syndrome. Identifiers: Orphanet 140162, MedGen C0027672, MeSH D009386, MONDO:0015356.

Submission:

Ambry Genetics
Classification: Uncertain significance for Hereditary cancer-predisposing syndrome. Last evaluated: 2026-07-02. Review status: criteria provided, single submitter. Criteria: Ambry Variant Classification Scheme 2023. Collection method: clinical testing. Allele origin: germline.
Comment: The p.M736T variant (also known as c.2207T>C), located in coding exon 15 of the TSC1 gene, results from a T to C substitution at nucleotide position 2207. The methionine at codon 736 is replaced by threonine, an amino acid with similar properties. This amino acid position is conserved. In addition, this alteration is predicted to be deleterious by in silico analysis. Based on the available evidence, the clinical significance of this variant remains unclear.

NM_000368.5(TSC1):c.2207T>C (p.Met736Thr)

Gene: TSC1 (TSC complex subunit 1; minus strand). Cytogenetic location: 9q34.13.
Variant type: single nucleotide variant.
Coding change: c.2207T>C on transcript NM_000368.5 (MANE Select); coding-DNA position 2207, T replaced by C.
Protein change: p.Met736Thr; replaces methionine 736 with threonine.
Molecular consequence: missense variant. On other transcripts: non-coding transcript variant (4).
Genome position (GRCh38, 1-based): chr9:132,903,652, A>G on the plus strand (T>C on the coding strand, the complement: TSC1 is on the minus strand). VCF-style: chr9-132903652-A-G. GRCh37 (hg19) VCF-style: chr9-135779039-A-G.
Other names: c.2192T>C, p.Met731Thr (NM_001406602.1, NM_001406601.1); c.2189T>C, p.Met730Thr (NM_001406603.1, NM_001406604.1); c.2207T>C, p.Met736Thr (NM_001406605.1, NM_001406606.1, NM_001406607.1 and 5 more transcripts); c.2204T>C, p.Met735Thr (NM_001406608.1, NM_001406609.1, NM_001162426.2 and 4 more transcripts); c.2054T>C, p.Met685Thr (NM_001406610.1, NM_001162427.2); c.2051T>C, p.Met684Thr (NM_001406611.1, NM_001406612.1, NM_001406613.1); c.1841T>C, p.Met614Thr (NM_001406621.1, NM_001406622.1, NM_001406623.1 and 2 more transcripts); c.1844T>C, p.Met615Thr (NM_001406624.1, NM_001362177.2, NM_001406614.1 and 5 more transcripts); and 3 more; short protein forms M614T, M615T, M731T, M736T, M385T, M418T, M685T, M735T.
Identifiers: ClinVar variation 5031212 (VCV005031212.1).
Genomic context (GRCh38, chr9:132,903,652, plus strand): 5'-CATGCTGACCCAAAACAAAACAAAAAGCAAGCTCCACCTGTCCCCTCCCCAGTCCTCACC[A>G]TGGCAGCATTATGTTCCTCCAGAGCTGCTGCTTTGATCACCTTGCGGAGGAGCCGCCTGT-3'
Protein context (NP_000359.1, residues 726-746): AAALEEHNAA[Met736Thr]KDQLKLQEKD